The following continues an entry in ClinVar:

NM_000350.3(ABCA4):c.5693G>A (p.Arg1898His)

Gene: ABCA4. ClinVar aggregate classification (germline): Conflicting classifications of pathogenicity. Pathogenic (3); Uncertain significance (8); Likely benign (2).

Submissions 11 to 21 of 21:

Illumina Laboratory Services, Illumina
Classification: Pathogenic for ABCA4-Related Disorders. Last evaluated: 2018-09-18. Review status: criteria provided, single submitter. Criteria: ICSL Variant Classification Criteria 09 May 2019. Collection method: clinical testing. Allele origin: germline.
Comment: The ABCA4 c.5693G>A (p.Arg1898His) missense variant has been reported in at least eight studies in which it was found in 18 individuals with Stargardt disease, including six compound heterozygotes, two heterozygotes, four who carried the variant in a complex allele, and six in whom zygosity information is not provided, and in a compound heterozygous state in one proband with cone-rod dystrophy (Allikmets et al. 1997a; Lewis et al. 1999; Rivera et al. 2000; Ernest et al. 2009; Anastasakis et al. 2011; Duno et al. 2012; Westeneng-van Haaften et al. 2012; Fujinami et al. 2013). The p.Arg1898His variant was identified in a heterozygous state in one of 880 control chromosomes (Allikmets et al. 1997a; Lewis et al. 1999; Rivera et al. 2000) and is reported at a frequency of 0.00281 in the European (non-Finnish) population of the Exome Aggregation Consortium. Westeneng-van Haaften et al. (2012) predicted a decreased protein yield in the presence of the variant and suggested the variant may have a mild effect; however, two other studies did not observe a difference compared to wild type (Allikmets et al. 1997b; Sun et al. 2000). Based on the collective evidence, the p.Arg1898His variant is classified as pathogenic for ABCA4-related disorders. This variant was observed by ICSL as part of a predisposition screen in an ostensibly healthy population.

Eurofins Ntd Llc (ga)
Classification: Uncertain significance. Last evaluated: 2018-03-01. Review status: criteria provided, single submitter. Criteria: EGL ClinVar v180209 classification definitions. Collection method: clinical testing. Allele origin: germline. Observed: 2 variant alleles, 2 heterozygotes.

Ambry Genetics
Classification: Uncertain significance for Inborn genetic diseases. Last evaluated: 2014-10-14. Review status: criteria provided, single submitter. Criteria: Ambry exome assertion method (8-5-2015). Collection method: clinical testing. Allele origin: germline. Affected: yes. Observed: 1 variant allele.

Department of Clinical Genetics, Copenhagen University Hospital, Rigshospitalet
Classification: Likely pathogenic for Stargardt disease. Last evaluated: 2018-04-01. Review status: no assertion criteria provided. Collection method: research. Allele origin: unknown. Affected: yes. Study: VeluxRD. Not counted in ClinVar's aggregate classification.

Department of Clinical Genetics, Copenhagen University Hospital, Rigshospitalet
Classification: Likely pathogenic for Retinitis pigmentosa. Last evaluated: 2018-04-01. Review status: no assertion criteria provided. Collection method: research. Allele origin: unknown. Affected: yes. Study: VeluxRD. Not counted in ClinVar's aggregate classification.

Clinical Genetics DNA and cytogenetics Diagnostics Lab, Erasmus MC, Erasmus Medical Center
Classification: Uncertain significance. Review status: no assertion criteria provided. Collection method: clinical testing. Allele origin: germline. Affected: yes. Study: VKGL Data-share Consensus. Not counted in ClinVar's aggregate classification.

Clinical Genetics, Academic Medical Center
Classification: Uncertain significance. Review status: no assertion criteria provided. Collection method: clinical testing. Allele origin: germline. Affected: yes. Study: VKGL Data-share Consensus. Not counted in ClinVar's aggregate classification.

Department of Pathology and Laboratory Medicine, Sinai Health System
Classification: Uncertain significance. Review status: no assertion criteria provided. Collection method: clinical testing. Allele origin: unknown. Affected: yes. Study: The Canadian Open Genetics Repository (COGR). Not counted in ClinVar's aggregate classification.
Comment: The ABCA4 p.R1898H variant was identified in the literature as a heterozygous, compound heterozygous, or complex variant in >20 individuals with age-related macular degeneration, Stargardt Disease, atypical maculopathy or bilateral severe familial exudative vitreoretinopath (Allikmets_1997_PMID:9295268; Rivera_2000_PMID:10958763; Anastasakis _2011_PMID:21293320; Duno_2012_PMID:22229821; Fujinami_2013_PMID:23953153; Lin_2018_PMID:29207047; Westeneng-van Haaften_2012_PMID:22449572). However, this variant has been reported in an individual with Stargardt-flavimaculatus who also carried two likely pathogenic variants in the ABCA4 gene (Duno_2012_PMID:22229821).Â¬â€ The variant was identified in dbSNP (ID: rs1800552) and in ClinVar (classified as uncertain significance by Ambry Genetics, EGL Genetics and three other laboratories; as likely benign by Invitae; as likely pathogenic by Institute of Human Genetics, Univ. Regensburg and Medical Genetics Laboratory, Kennedy Center, Juliane Marie Center, Rigshospitalet; and as pathogenic by Illumina). The variant was identified in control databases in 438 of 282700 chromosomes at a frequency of 0.001549, and was observed at the highest frequency in the European (non-Finnish) population in 324 of 129094 chromosomes (freq: 0.002510) (Genome Aggregation Database March 6, 2019, v2.1.1). The p.R1898 residue is not conserved in mammals and computational analyses (MUT Assesor, PolyPhen-2, SIFT, MutationTaster, Revel, FATHMM, MetaLR, DANN) do not suggest a high likelihood of impact to the protein; however this information is not predictive enough to rule out pathogenicity. Functional ATPase assays have demonstrated that the p.R1898H variant displays ATPase activity comparable to wild type (Sun_2000_PMID:11017087). The variant occurs outside of the splicing consensus sequence and in silico or computational prediction software programs (Splice AI exome) do not predict a difference in splicing.Â¬â€ In summary, based on the above information the clinical significance of this variant cannot be determined with certainty at this time. This variant is classified as a variant of uncertain significance.

Diagnostic Laboratory, Department of Genetics, University Medical Center Groningen
Classification: Uncertain significance. Review status: no assertion criteria provided. Collection method: clinical testing. Allele origin: germline. Affected: yes. Study: VKGL Data-share Consensus. Not counted in ClinVar's aggregate classification.

Joint Genome Diagnostic Labs from Nijmegen and Maastricht, Radboudumc and MUMC+
Classification: Uncertain significance. Review status: no assertion criteria provided. Collection method: clinical testing. Allele origin: germline. Affected: yes. Study: VKGL Data-share Consensus. Not counted in ClinVar's aggregate classification.

Retina International
No classification provided. Review status: no classification provided. Collection method: not provided. Allele origin: unknown. Not counted in ClinVar's aggregate classification.

Literature cited by the submitters: PubMed 9295268 (cited by Institute of Human Genetics, Univ. Regensburg, Univ. Regensburg and Illumina Laboratory Services, Illumina); PubMed 11017087 (cited by 3 submitters); PubMed 15579991 (cited by Institute of Human Genetics, Univ. Regensburg, Univ. Regensburg); PubMed 22449572 (cited by Institute of Human Genetics, Univ. Regensburg, Univ. Regensburg and Illumina Laboratory Services, Illumina); PubMed 23953153 (cited by Institute of Human Genetics, Univ. Regensburg, Univ. Regensburg and Illumina Laboratory Services, Illumina); PubMed 25087612 (cited by Institute of Human Genetics, Univ. Regensburg, Univ. Regensburg); PubMed 28559085 (cited by Institute of Human Genetics, Univ. Regensburg, Univ. Regensburg); PubMed 29555955 (cited by Institute of Human Genetics, Univ. Regensburg, Univ. Regensburg); PubMed 29207047 (cited by Institute of Human Genetics, Univ. Regensburg, Univ. Regensburg); PubMed 29925512 (cited by Institute of Human Genetics, Univ. Regensburg, Univ. Regensburg); PubMed 30718709 (cited by 3 submitters); PubMed 32483926 (cited by Institute of Human Genetics, Univ. Regensburg, Univ. Regensburg); PubMed 33375396 (cited by Institute of Human Genetics, Univ. Regensburg, Univ. Regensburg and Victorian Clinical Genetics Services, Murdoch Childrens Research Institute); PubMed 32307445 (cited by Institute of Human Genetics, Univ. Regensburg, Univ. Regensburg); PubMed 31456290 (cited by Institute of Human Genetics, Univ. Regensburg, Univ. Regensburg); PubMed 34426522 (cited by Institute of Human Genetics, Univ. Regensburg, Univ. Regensburg); PubMed 33749171 (cited by Institute of Human Genetics, Univ. Regensburg, Univ. Regensburg); PubMed 33851411 (cited by Institute of Human Genetics, Univ. Regensburg, Univ. Regensburg); PubMed 36460718 (cited by Institute of Human Genetics, Univ. Regensburg, Univ. Regensburg); PubMed 28118664 (cited by Institute of Human Genetics, Univ. Regensburg, Univ. Regensburg); PubMed 10958763 (cited by Victorian Clinical Genetics Services, Murdoch Childrens Research Institute and Illumina Laboratory Services, Illumina); PubMed 25474345 (cited by Victorian Clinical Genetics Services, Murdoch Childrens Research Institute); PubMed 26743751 (cited by Victorian Clinical Genetics Services, Murdoch Childrens Research Institute); PubMed 31522899 (cited by Victorian Clinical Genetics Services, Murdoch Childrens Research Institute); PubMed 22229821 (cited by Illumina Laboratory Services, Illumina); PubMed 9054934 (cited by Illumina Laboratory Services, Illumina); PubMed 9973280 (cited by Illumina Laboratory Services, Illumina); PubMed 20029649 (cited by Illumina Laboratory Services, Illumina); PubMed 21293320 (cited by Illumina Laboratory Services, Illumina).